The following is an entry in ClinVar:

NC_000011.10:g.2002322C>T

Genes: H19 (H19 imprinted maternally expressed transcript; minus strand), H19-ICR (H19/IGF2 imprinting control region; plus strand), MRPL23 (mitochondrial ribosomal protein L23; plus strand). Cytogenetic location: 11p15.5.
Variant type: single nucleotide variant.
Molecular consequence: intron variant (on NM_001400176.1).
Genome position: GRCh38 VCF-style: chr11-2002322-C-T. GRCh37 (hg19) VCF-style: chr11-2023552-C-T.
Other names: c.498-9219C>T (NM_001400176.1).
Identifiers: ClinVar variation 4985576 (VCV004985576.1).

ClinVar aggregate classification (germline): Likely benign (1 of 4 stars; one submission).

Conditions:
H19-related disorder. Also called: H19-related condition.

Submission:

PreventionGenetics, part of Exact Sciences
Classification: Likely benign for H19-related condition. Last evaluated: 2024-12-10. Review status: criteria provided, single submitter. Criteria: ACMG Guidelines, 2015. Collection method: clinical testing. Allele origin: germline.
Comment: This variant is classified as likely benign based on ACMG/AMP sequence variant interpretation guidelines (Richards et al. 2015 PMID: 25741868, with internal and published modifications).